The following is an entry in ClinVar:

ClinVar aggregate classification (germline): Pathogenic. Review status: criteria provided, multiple submitters, no conflicts (2 of 4 stars). 2 submissions from 2 submitters: Pathogenic (2). Last evaluated 2026-06-02.

Conditions:
SMOC1-related disorder. Also called: SMOC1-related condition.

Allele frequency attached by ClinVar (database versions not stated): gnomAD exomes below 0.00001; ExAC 0.00001; gnomAD 0.00004; TOPMed 0.00017.

Submissions (2):

PreventionGenetics, part of Exact Sciences
Classification: Pathogenic for SMOC1-related condition. Last evaluated: 2026-06-02. Review status: criteria provided, single submitter. Criteria: ACMG Guidelines, 2015. Collection method: clinical testing. Allele origin: germline.
Comment: The SMOC1 c.274C>T variant is predicted to result in premature protein termination (p.Gln92*). This variant has been reported in the homozygous state in an individual with Waardenburg anophthalmia syndrome (Rainger et al. 2011. PubMed ID: 21750680). This variant is present in 0.0058% of alleles in individuals of Latino descent in gnomAD. Nonsense variants in SMOC1 are an established mechanism of disease. This variant is interpreted as pathogenic.

Labcorp Genetics (formerly Invitae), Labcorp
Classification: Pathogenic. Last evaluated: 2025-11-28. Review status: criteria provided, single submitter. Criteria: Invitae Variant Classification Sherloc (09022015). Collection method: clinical testing. Allele origin: germline.
Comment: This sequence change creates a premature translational stop signal (p.Gln92*) in the SMOC1 gene. It is expected to result in an absent or disrupted protein product. Loss-of-function variants in SMOC1 are known to be pathogenic (PMID: 21194678). This variant is present in population databases (rs781216969, gnomAD 0.003%). This premature translational stop signal has been observed in individual(s) with ophthalmo-acromelic syndrome (PMID: 21750680). ClinVar contains an entry for this variant (Variation ID: 2736124). For these reasons, this variant has been classified as Pathogenic.

Literature cited by the submitters: PubMed 21194678 (cited by Labcorp Genetics (formerly Invitae), Labcorp); PubMed 21750680 (cited by Labcorp Genetics (formerly Invitae), Labcorp).

NM_001034852.3(SMOC1):c.274C>T (p.Gln92Ter)

Gene: SMOC1 (SPARC related modular calcium binding 1; plus strand). Cytogenetic location: 14q24.2.
Variant type: single nucleotide variant.
Coding change: c.274C>T on transcript NM_001034852.3 (MANE Select); coding-DNA position 274, C replaced by T.
Protein change: p.Gln92Ter; replaces glutamine 92 with a stop codon.
Molecular consequence: nonsense.
Genome position (GRCh38, 1-based): chr14:69,953,428, C>T. VCF-style: chr14-69953428-C-T. GRCh37 (hg19) VCF-style: chr14-70420145-C-T.
Other names: c.274C>T (NM_001034852.2); c.274C>T, p.Gln92Ter (NM_001425244.1, NM_001425245.1, NM_022137.6); short protein forms Q92*.
Identifiers: ClinVar variation 2736124 (VCV002736124.4), dbSNP rs781216969, ClinGen allele CA7246416.